The following is an entry in ClinVar:

ClinVar aggregate classification (germline): Pathogenic/Likely pathogenic. Review status: criteria provided, multiple submitters, no conflicts (2 of 4 stars). 4 submissions from 4 submitters: Pathogenic (3); Likely pathogenic (1). Last evaluated 2025-09-23.

Conditions:
Lynch syndrome 5 (LYNCH5). Also called: Colorectal cancer, hereditary nonpolyposis, type 5; Hereditary non-polyposis colorectal cancer, type 5. Identifiers: Orphanet 144, MedGen C1833477, MONDO:0013710, OMIM 614350. Disease mechanism: loss of function.
Endometrial carcinoma. Also called: Endometrial carcinoma, somatic. Identifiers: MedGen C0476089, MONDO:0002447, OMIM 608089, HP:0012114.
Hereditary nonpolyposis colorectal neoplasms. Identifiers: MedGen C0009405, MeSH D003123.
Hereditary cancer-predisposing syndrome. Also called: Hereditary Cancer Syndrome; Neoplastic Syndromes, Hereditary; Tumor predisposition; Hereditary neoplastic syndrome. Identifiers: Orphanet 140162, MedGen C0027672, MeSH D009386, MONDO:0015356.

Submissions (4):

Ambry Genetics
Classification: Pathogenic for Hereditary cancer-predisposing syndrome. Last evaluated: 2025-09-23. Review status: criteria provided, single submitter. Criteria: Ambry Variant Classification Scheme 2023. Collection method: clinical testing. Allele origin: germline.
Comment: The c.698dupC pathogenic mutation (also known as p.K234*), located in coding exon 4 of the MSH6 gene, results from a duplication of C at nucleotide position 698. This changes the amino acid from a lysine to a stop codon within coding exon 4. This variant is considered to be rare based on population cohorts in the Genome Aggregation Database (gnomAD). This alteration is expected to result in loss of function by premature protein truncation or nonsense-mediated mRNA decay. As such, this alteration is interpreted as a disease-causing mutation.

Labcorp Genetics (formerly Invitae), Labcorp
Classification: Pathogenic for Hereditary nonpolyposis colorectal neoplasms. Last evaluated: 2025-02-27. Review status: criteria provided, single submitter. Criteria: Invitae Variant Classification Sherloc (09022015). Collection method: clinical testing. Allele origin: germline.
Comment: This sequence change creates a premature translational stop signal (p.Lys234*) in the MSH6 gene. It is expected to result in an absent or disrupted protein product. Loss-of-function variants in MSH6 are known to be pathogenic (PMID: 18269114, 24362816). This variant is not present in population databases (gnomAD no frequency). This variant has not been reported in the literature in individuals affected with MSH6-related conditions. ClinVar contains an entry for this variant (Variation ID: 479961). For these reasons, this variant has been classified as Pathogenic.

Myriad Genetics, Inc.
Classification: Pathogenic for Lynch syndrome 5. Last evaluated: 2023-08-10. Review status: criteria provided, single submitter. Criteria: Myriad Autosomal Dominant, Autosomal Recessive and X-Linked Classification Criteria (2023). Collection method: clinical testing. Allele origin: unknown.
Comment: This variant is considered pathogenic. This variant creates a termination codon and is predicted to result in premature protein truncation.

Baylor Genetics
Classification: Likely pathogenic for Endometrial carcinoma. Last evaluated: 2021-11-04. Review status: criteria provided, single submitter. Criteria: ACMG Guidelines, 2015. Collection method: clinical testing. Allele origin: unknown.

Literature cited by the submitters: PubMed 18269114 (cited by Labcorp Genetics (formerly Invitae), Labcorp); PubMed 24362816 (cited by Labcorp Genetics (formerly Invitae), Labcorp).

NM_000179.3(MSH6):c.698dup (p.Pro233_Lys234insTer)

Gene: MSH6 (mutS homolog 6; plus strand). Cytogenetic location: 2p16.3.
Variant type: Duplication.
Coding change: c.698dup on transcript NM_000179.3 (MANE Select); coding-DNA position 698, one base duplicated (C; older notation c.698dupC).
Protein change: p.Pro233_Lys234insTer.
Molecular consequence: frameshift variant. On other transcripts: 5 prime UTR variant (2).
Genome position (GRCh38, 1-based): chr2:47,798,681, C duplicated; the last of 2 consecutive C bases (chr2:47,798,680-47,798,681); duplicating either gives the same sequence. VCF-style (leftmost placement, unchanged base first): chr2-47798679-G-GC. GRCh37 (hg19) VCF-style: chr2-48025818-G-GC.
Other names: c.308dup, p.Pro103_Lys104insTer (NM_001281492.2); c.-209dup (NM_001281493.2, NM_001281494.2); c.698dupC (NM_000179.2).
Identifiers: ClinVar variation 479961 (VCV000479961.9), dbSNP rs1553412120, ClinGen allele CA658655712.